The following is an entry in ClinVar:

NM_000211.5(ITGB2):c.643A>G (p.Asn215Asp)

Gene: ITGB2 (integrin subunit beta 2; minus strand). Cytogenetic location: 21q22.3.
Variant type: single nucleotide variant.
Coding change: c.643A>G on transcript NM_000211.5 (MANE Select); coding-DNA position 643, A replaced by G.
Protein change: p.Asn215Asp; replaces asparagine 215 with aspartic acid.
Molecular consequence: missense variant.
Genome position (GRCh38, 1-based): chr21:44,901,590, T>C on the plus strand (A>G on the coding strand, the complement: ITGB2 is on the minus strand). VCF-style: chr21-44901590-T-C. GRCh37 (hg19) VCF-style: chr21-46321505-T-C.
Other names: p.Asn215Asp; c.643A>G, p.Asn215Asp (NM_001127491.3); c.436A>G, p.Asn146Asp (NM_001303238.2); c.643A>G (NM_000211.3); short protein forms N146D, N215D.
Identifiers: ClinVar variation 953747 (VCV000953747.9), dbSNP rs770505759, ClinGen allele CA10063142.
Genomic context (GRCh38, chr21:44,901,590, plus strand): 5'-CCTCGGGTGCATCCAGGTTTCCGGAAATCAGCTGCTTCCCGACCTCGGTCTGAAACTGGT[T>C]GGAGTTGTTGGTCAGCTTCAGCACGTGCCTGAAGGCAAACGGGGGCTGGCACTCTTTCTC-3'
Protein context (NP_000202.3, residues 205-225): RHVLKLTNNS[Asn215Asp]QFQTEVGKQL

ClinVar aggregate classification (germline): Uncertain significance. Review status: criteria provided, multiple submitters, no conflicts (2 of 4 stars). 3 submissions from 3 submitters: Uncertain significance (3). Last evaluated 2024-03-31.

Conditions:
Inborn genetic diseases. Identifiers: MedGen C0950123, MeSH D030342.
Leukocyte adhesion deficiency 1 (LAD1). Also called: LEUKOCYTE ADHESION DEFICIENCY, TYPE I; LAD 1; Lymphocyte function-associated antigen 1 immunodeficiency; LFA 1 immunodeficiency. Identifiers: Orphanet 2968, Orphanet 99842, MedGen C0398738, MONDO:0007293, OMIM 116920.

Allele frequency attached by ClinVar (database versions not stated): gnomAD 0.00002; gnomAD exomes 0.00004 and 0.00008; TOPMed 0.00011; ExAC 0.00016.
gnomAD v4.1: 30 of 1,614,128 alleles (0.0019%); highest among the groups gnomAD compares: Admixed American, 0.035%; no homozygotes.

Submissions (3):

Ambry Genetics
Classification: Uncertain significance for Inborn genetic diseases. Last evaluated: 2024-03-31. Review status: criteria provided, single submitter. Criteria: Ambry Variant Classification Scheme 2023. Collection method: clinical testing. Allele origin: germline.

Mayo Clinic Laboratories, Mayo Clinic
Classification: Uncertain significance. Last evaluated: 2024-03-12. Review status: criteria provided, single submitter. Criteria: ACMG Guidelines, 2015. Collection method: clinical testing. Allele origin: germline. Observed: 1 variant allele.
Comment: BP4

Labcorp Genetics (formerly Invitae), Labcorp
Classification: Uncertain significance for Leukocyte adhesion deficiency 1. Last evaluated: 2022-02-05. Review status: criteria provided, single submitter. Criteria: Invitae Variant Classification Sherloc (09022015). Collection method: clinical testing. Allele origin: germline.
Comment: This sequence change replaces asparagine, which is neutral and polar, with aspartic acid, which is acidic and polar, at codon 215 of the ITGB2 protein (p.Asn215Asp). This variant is present in population databases (rs770505759, gnomAD 0.04%). This variant has not been reported in the literature in individuals affected with ITGB2-related conditions. ClinVar contains an entry for this variant (Variation ID: 953747). Algorithms developed to predict the effect of missense changes on protein structure and function (SIFT, PolyPhen-2, Align-GVGD) all suggest that this variant is likely to be tolerated. In summary, the available evidence is currently insufficient to determine the role of this variant in disease. Therefore, it has been classified as a Variant of Uncertain Significance.